The following is an entry in ClinVar:

ClinVar aggregate classification (germline): Benign/Likely benign. Review status: criteria provided, multiple submitters, no conflicts (2 of 4 stars). 4 submissions from 4 submitters: Benign (2); Likely benign (2). Last evaluated 2025-12-14.

Conditions:
Cerebral cavernous malformation 2. Also called: Familial Cerebral Cavernous Malformation 2. Identifiers: Orphanet 221061, MedGen C1864041, MONDO:0011304, OMIM 603284.

Allele frequency attached by ClinVar (database versions not stated): gnomAD exomes 0.00036 and 0.00091; ExAC 0.00117; ESP Exome Variant Server 0.00367; gnomAD 0.00385 and 0.00408; TOPMed 0.00416; 1000 Genomes Project 30x 0.00437; 1000 Genomes Project 0.00459.

Submissions (4):

Labcorp Genetics (formerly Invitae), Labcorp
Classification: Benign for Cerebral cavernous malformation 2. Last evaluated: 2025-12-14. Review status: criteria provided, single submitter. Criteria: Invitae Variant Classification Sherloc (09022015). Collection method: clinical testing. Allele origin: germline.

Blueprint Genetics
Classification: Likely benign. Last evaluated: 2024-11-27. Review status: criteria provided, single submitter. Criteria: ACMG Guidelines, 2015. Collection method: clinical testing. Allele origin: germline.

ARUP Laboratories, Molecular Genetics and Genomics, ARUP Laboratories
Classification: Benign for Cerebral cavernous malformation 2. Last evaluated: 2023-10-14. Review status: criteria provided, single submitter. Criteria: ARUP Molecular Germline Variant Investigation Process 2024. Collection method: clinical testing. Allele origin: germline.

GeneDx
Classification: Likely benign. Last evaluated: 2017-07-10. Review status: criteria provided, single submitter. Criteria: GeneDx Variant Classification (06012015). Collection method: clinical testing. Allele origin: germline. Affected: yes.
Comment: This variant is considered likely benign or benign based on one or more of the following criteria: it is a conservative change, it occurs at a poorly conserved position in the protein, it is predicted to be benign by multiple in silico algorithms, and/or has population frequency not consistent with disease.

NM_031443.4(CCM2):c.804-12del

Gene: CCM2 (CCM2 scaffold protein; plus strand). Cytogenetic location: 7p13.
Variant type: Deletion.
Coding change: c.804-12del on transcript NM_031443.4 (MANE Select); 12 bases into the intron before coding-DNA position 804, one base deleted (A; older notation c.804-12delA).
Molecular consequence: intron variant.
Genome position (GRCh38, 1-based): chr7:45,073,448, A deleted. VCF-style (leftmost placement, unchanged base first): chr7-45073447-CA-C. GRCh37 (hg19) VCF-style: chr7-45113046-CA-C.
Other names: c.927-12del (NM_001363458.2); c.531-12del (NM_001167935.2); c.753-12del (NM_001363459.2); c.630-12del (NM_001167934.2); c.867-12del (NM_001029835.2); c.804-12delA (NM_031443.3).
Identifiers: ClinVar variation 510817 (VCV000510817.11), dbSNP rs533909649, ClinGen allele CA4247151.